The following is an entry in ClinVar:

ClinVar aggregate classification (germline): Uncertain significance (1 of 4 stars; one submission).

Submission:

CeGaT Center for Human Genetics Tuebingen
Classification: Uncertain significance. Last evaluated: 2022-06-01. Review status: criteria provided, single submitter. Criteria: CeGaT Center For Human Genetics Tuebingen Variant Classification Criteria Version 2. Collection method: clinical testing. Allele origin: germline. Affected: yes. Observed: 1 variant allele.
Comment: GSDME: PM2

NM_001127453.2(GSDME):c.362AGG[1] (p.Glu122del)

Gene: GSDME (gasdermin E; minus strand). Cytogenetic location: 7p15.3.
Variant type: Microsatellite.
Coding change: c.362AGG[1] on transcript NM_001127453.2 (MANE Select); one copy of the 3-base unit AGG starting at c.362; the reference has two copies in a row; one copy, 3 bases deleted.
Protein change: p.Glu122del; deletes glutamic acid 122.
Molecular consequence: inframe deletion. On other transcripts: 5 prime UTR variant (1).
Genome position (GRCh38, 1-based): chr7:24,744,599-24,744,601, CCT deleted on the plus strand (AGG on the coding strand, the reverse complement: GSDME is on the minus strand); deleting any 3 consecutive bases within chr7:24,744,599-24,744,604 gives the same sequence; the position shown is the placement nearest the transcript's 3' end. VCF-style (leftmost placement, unchanged base first): chr7-24744598-ACCT-A. GRCh37 (hg19) VCF-style: chr7-24784217-ACCT-A.
Other names: c.-131AGG[1] (NM_001127454.2); c.362AGG[1], p.Glu122del (NM_004403.3); short protein forms E122del.
Identifiers: ClinVar variation 2657354 (VCV002657354.24), dbSNP rs2535085386, ClinGen allele CA2682083320.